The following is an entry in ClinVar:

ClinVar aggregate classification (germline): Uncertain significance (1 of 4 stars; one submission).

Conditions:
Neurodevelopmental disorder with behavioral abnormalities, absent speech, and hypotonia. Identifiers: MedGen C5231471, MONDO:0032878, OMIM 618718.

gnomAD v4.1: 1 of 1,612,846 alleles (0.000062%); highest among the groups gnomAD compares: Admixed American, 0.0017%; no homozygotes.

Submission:

Neuberg Centre For Genomic Medicine, NCGM
Classification: Uncertain significance for Neurodevelopmental disorder with behavioral abnormalities, absent speech, and hypotonia. Review status: criteria provided, single submitter. Criteria: ACMG Guidelines, 2015. Collection method: clinical testing. Allele origin: germline. Inheritance: Autosomal recessive inheritance. Affected: yes.
Comment: The observed missense c.943G>T(p.Asp315Tyr) variant in NTNG2 gene has not been reported previously as a pathogenic variant nor as a benign variant, to our knowledge. The p.Asp315Tyr variant is absent in gnomAD Exomes database. This variant has not been submitted to the ClinVar database. The amino acid change p.Asp315Tyr in NTNG2 is predicted as conserved by GERP++ and PhyloP across 100 vertebrates. The amino acid Asp at position 315 is changed to a Tyr changing protein sequence and it might alter its composition and physico-chemical properties. For these reasons, this variant has been classified as Variant of Uncertain Significance (VUS).

NM_032536.4(NTNG2):c.943G>T (p.Asp315Tyr)

Gene: NTNG2 (netrin G2; plus strand). Cytogenetic location: 9q34.13.
Variant type: single nucleotide variant.
Coding change: c.943G>T on transcript NM_032536.4 (MANE Select); coding-DNA position 943, G replaced by T.
Protein change: p.Asp315Tyr; replaces aspartic acid 315 with tyrosine.
Molecular consequence: missense variant.
Genome position (GRCh38, 1-based): chr9:132,226,934, G>T. VCF-style: chr9-132226934-G-T. GRCh37 (hg19) VCF-style: chr9-135102321-G-T.
Other names: short protein forms D315Y.
Identifiers: ClinVar variation 3242032 (VCV003242032.1), dbSNP rs746365619.